The following is an entry in ClinVar:

ClinVar aggregate classification (germline): Uncertain significance (1 of 4 stars; one submission).

Conditions:
Neuropathy, hereditary motor and sensory, type 6B (HMSN6B). Also called: HMSN VIB; CHARCOT-MARIE-TOOTH DISEASE, TYPE 6B; Neuropathy, hereditary motor and sensory, type VIB; NEUROPATHY, HEREDITARY MOTOR AND SENSORY, TYPE VIB, WITH OPTIC ATROPHY. Identifiers: MedGen C4225302, MONDO:0014671, OMIM 616505.

Allele frequency attached by ClinVar (database versions not stated): gnomAD exomes below 0.00001.
gnomAD v4.1: 1 of 1,550,544 alleles (0.000064%); highest among the groups gnomAD compares: South Asian, 0.0012%; no homozygotes.

Submission:

Labcorp Genetics (formerly Invitae), Labcorp
Classification: Uncertain significance for Neuropathy, hereditary motor and sensory, type 6B. Last evaluated: 2018-03-28. Review status: criteria provided, single submitter. Criteria: Invitae Variant Classification Sherloc (09022015). Collection method: clinical testing. Allele origin: germline.
Comment: This sequence change replaces glycine with aspartic acid at codon 17 of the SLC25A46 protein (p.Gly17Asp). The glycine residue is weakly conserved and there is a moderate physicochemical difference between glycine and aspartic acid. This variant is not present in population databases (ExAC no frequency). This variant has not been reported in the literature in individuals with SLC25A46-related disease. Algorithms developed to predict the effect of missense changes on protein structure and function do not agree on the potential impact of this missense change (SIFT: "Deleterious"; PolyPhen-2: "Benign"; Align-GVGD: "Class C0"). In summary, the available evidence is currently insufficient to determine the role of this variant in disease. Therefore, it has been classified as a Variant of Uncertain Significance.

NM_138773.4(SLC25A46):c.50G>A (p.Gly17Asp)

Gene: SLC25A46 (solute carrier family 25 member 46; plus strand). Cytogenetic location: 5q22.1.
Variant type: single nucleotide variant.
Coding change: c.50G>A on transcript NM_138773.4 (MANE Select); coding-DNA position 50, G replaced by A.
Protein change: p.Gly17Asp; replaces glycine 17 with aspartic acid.
Molecular consequence: missense variant. On other transcripts: non-coding transcript variant (1), intron variant (1).
Genome position (GRCh38, 1-based): chr5:110,739,169, G>A. VCF-style: chr5-110739169-G-A. GRCh37 (hg19) VCF-style: chr5-110074870-G-A.
Other names: c.50G>A, p.Gly17Asp (NM_001303249.3); c.10+922G>A (NM_001303250.3); short protein forms G17D.
Identifiers: ClinVar variation 565817 (VCV000565817.9), dbSNP rs1561595689, ClinGen allele CA360693039.